The following is an entry in ClinVar:

ClinVar aggregate classification (germline): Uncertain significance. Review status: criteria provided, multiple submitters, no conflicts (2 of 4 stars). 2 submissions from 2 submitters: Uncertain significance (2). Last evaluated 2024-10-15.

Conditions:
Inborn genetic diseases. Identifiers: MedGen C0950123, MeSH D030342.

gnomAD v4.1: 3 of 1,610,816 alleles (0.00019%); highest among the groups gnomAD compares: Admixed American, 0.0017%; no homozygotes.

Submissions (2):

Labcorp Genetics (formerly Invitae), Labcorp
Classification: Uncertain significance. Last evaluated: 2024-10-15. Review status: criteria provided, single submitter. Criteria: Invitae Variant Classification Sherloc (09022015). Collection method: clinical testing. Allele origin: germline.
Comment: This sequence change replaces proline, which is neutral and non-polar, with serine, which is neutral and polar, at codon 975 of the MAPKBP1 protein (p.Pro975Ser). This variant is present in population databases (rs760346670, gnomAD 0.003%). This variant has not been reported in the literature in individuals affected with MAPKBP1-related conditions. ClinVar contains an entry for this variant (Variation ID: 1485138). An algorithm developed to predict the effect of missense changes on protein structure and function outputs the following: PolyPhen-2: "Benign". The serine amino acid residue is found in multiple mammalian species, which suggests that this missense change does not adversely affect protein function. In summary, the available evidence is currently insufficient to determine the role of this variant in disease. Therefore, it has been classified as a Variant of Uncertain Significance.

Ambry Genetics
Classification: Uncertain significance for Inborn genetic diseases. Last evaluated: 2024-08-26. Review status: criteria provided, single submitter. Criteria: Ambry Variant Classification Scheme 2023. Collection method: clinical testing. Allele origin: germline.

NM_014994.3(MAPKBP1):c.2905C>T (p.Pro969Ser)

Gene: MAPKBP1 (mitogen-activated protein kinase binding protein 1; plus strand). Cytogenetic location: 15q15.1.
Variant type: single nucleotide variant.
Coding change: c.2905C>T on transcript NM_014994.3 (MANE Select); coding-DNA position 2905, C replaced by T.
Protein change: p.Pro969Ser; replaces proline 969 with serine.
Molecular consequence: missense variant. On other transcripts: non-coding transcript variant (2).
Genome position (GRCh38, 1-based): chr15:41,821,984, C>T. VCF-style: chr15-41821984-C-T. GRCh37 (hg19) VCF-style: chr15-42114182-C-T.
Other names: c.2923C>T, p.Pro975Ser (NM_001128608.2); c.2905C>T, p.Pro969Ser (NM_001265611.2); c.2923C>T (NM_001128608.1); short protein forms P969S, P975S.
Identifiers: ClinVar variation 1485138 (VCV001485138.7), dbSNP rs760346670, ClinGen allele CA7498418.